The following is an entry in ClinVar:

ClinVar aggregate classification (germline): Uncertain significance (1 of 4 stars; one submission).

Allele frequency attached by ClinVar (database versions not stated): gnomAD exomes below 0.00001.
gnomAD v4.1: 1 of 1,612,250 alleles (0.000062%); highest among the groups gnomAD compares: Non-Finnish European, 0.000085%; no homozygotes.

Submission:

Labcorp Genetics (formerly Invitae), Labcorp
Classification: Uncertain significance. Last evaluated: 2022-09-12. Review status: criteria provided, single submitter. Criteria: Invitae Variant Classification Sherloc (09022015). Collection method: clinical testing. Allele origin: germline.
Comment: This sequence change replaces proline, which is neutral and non-polar, with leucine, which is neutral and non-polar, at codon 972 of the MCM3AP protein (p.Pro972Leu). This variant is not present in population databases (gnomAD no frequency). This variant has not been reported in the literature in individuals affected with MCM3AP-related conditions. Algorithms developed to predict the effect of missense changes on protein structure and function (SIFT, PolyPhen-2, Align-GVGD) all suggest that this variant is likely to be disruptive. In summary, the available evidence is currently insufficient to determine the role of this variant in disease. Therefore, it has been classified as a Variant of Uncertain Significance.

NM_003906.5(MCM3AP):c.2915C>T (p.Pro972Leu)

Gene: MCM3AP (minichromosome maintenance complex component 3 associated protein; minus strand). Cytogenetic location: 21q22.3.
Variant type: single nucleotide variant.
Coding change: c.2915C>T on transcript NM_003906.5 (MANE Select); coding-DNA position 2915, C replaced by T.
Protein change: p.Pro972Leu; replaces proline 972 with leucine.
Molecular consequence: missense variant.
Genome position (GRCh38, 1-based): chr21:46,266,041, G>A on the plus strand (C>T on the coding strand, the complement: MCM3AP is on the minus strand). VCF-style: chr21-46266041-G-A. GRCh37 (hg19) VCF-style: chr21-47685955-G-A.
Other names: short protein forms P972L.
Identifiers: ClinVar variation 1976149 (VCV001976149.2), dbSNP rs2517390467, ClinGen allele CA410561590.